The following is an entry in ClinVar:

NM_018896.5(CACNA1G):c.3690+1G>C

Gene: CACNA1G (calcium voltage-gated channel subunit alpha1 G; plus strand). Cytogenetic location: 17q21.33.
Variant type: single nucleotide variant.
Coding change: c.3690+1G>C on transcript NM_018896.5 (MANE Select); the canonical splice donor site of the intron after coding-DNA position 3690, G replaced by C.
Molecular consequence: splice donor variant.
Genome position (GRCh38, 1-based): chr17:50,599,860, G>C. VCF-style: chr17-50599860-G-C. GRCh37 (hg19) VCF-style: chr17-48677221-G-C.
Other names: c.3690+1G>C (NM_001256325.2, NM_198377.3, NM_198380.3 and 16 more transcripts); c.3621+1G>C (NM_198396.3, NM_198379.3, NM_198387.3 and 5 more transcripts).
Identifiers: ClinVar variation 2633247 (VCV002633247.1), dbSNP rs910415526, ClinGen allele CA291620435.
Genomic context (GRCh38, chr17:50,599,860, plus strand): 5'-GCCCTGCGGCCTGATGACCCCCCACTGGATGGGGATGACGCCGATGACGAGGGCAACCTG[G>C]TGAGGCCCCTGTGGGCACAGTGACCCCTCACCCCTGACCTTGAAAGAGGGGAGGTGTGCC-3'

ClinVar aggregate classification (germline): Uncertain significance (1 of 4 stars; one submission).

Conditions:
CACNA1G-related disorder. Also called: CACNA1G-related condition; CACNA1G-related disorders.

Allele frequency attached by ClinVar (database versions not stated): gnomAD 0.00001; TOPMed 0.00001.
gnomAD v4.1: 1 of 1,604,078 alleles (0.000062%); highest among the groups gnomAD compares: African/African-American, 0.0013%; no homozygotes.

Submission:

PreventionGenetics, part of Exact Sciences
Classification: Uncertain significance for CACNA1G-related condition. Last evaluated: 2023-05-02. Review status: criteria provided, single submitter. Criteria: ACMG Guidelines, 2015. Collection method: clinical testing. Allele origin: germline.
Comment: The CACNA1G c.3690+1G>C variant is predicted to disrupt the GT donor site and interfere with normal splicing. To our knowledge, this variant has not been reported in the literature or in a large population database, indicating this variant is rare. At this time, the clinical significance of this variant is uncertain due to the absence of conclusive functional and genetic evidence.